The following is an entry in ClinVar:

ClinVar aggregate classification (germline): Pathogenic (1 of 4 stars; one submission).

Conditions:
Glycogen storage disease, type II (IOPD). Also called: CARDIOMEGALIA GLYCOGENICA DIFFUSA; GLYCOGENOSIS, GENERALIZED, CARDIAC FORM; GSD II; Glycogen storage disease type 2; Acid maltase deficiency disease; Aglucosidase alfa. Identifiers: Orphanet 365, MedGen C0017921, MONDO:0009290, OMIM 232300.

Submission:

Myriad Genetics, Inc.
Classification: Pathogenic for Glycogen storage disease, type II. Last evaluated: 2024-10-09. Review status: criteria provided, single submitter. Criteria: Myriad Autosomal Dominant, Autosomal Recessive and X-Linked Classification Criteria (2023). Collection method: clinical testing. Allele origin: unknown.
Comment: NM_000152.3(GAA):c.1374C>G(Y458*) is expected to be pathogenic in the context of Pompe disease. This variant is predicted to lead to an abnormal or absent protein product due to the creation of a premature termination codon in GAA, a gene where loss-of-function variants are known to be pathogenic. Please note: this variant was assessed in the context of healthy population screening.

NM_000152.5(GAA):c.1374C>G (p.Tyr458Ter)

Gene: GAA (alpha glucosidase; plus strand). Cytogenetic location: 17q25.3.
Variant type: single nucleotide variant.
Coding change: c.1374C>G on transcript NM_000152.5 (MANE Select); coding-DNA position 1374, C replaced by G.
Protein change: p.Tyr458Ter; replaces tyrosine 458 with a stop codon.
Molecular consequence: nonsense.
Genome position (GRCh38, 1-based): chr17:80,109,992, C>G. VCF-style: chr17-80109992-C-G. GRCh37 (hg19) VCF-style: chr17-78083791-C-G.
Other names: c.1374C>G, p.Tyr458Ter (NM_001079803.3, NM_001079804.3, NM_001406741.1 and 1 more transcripts); short protein forms Y458*.
Identifiers: ClinVar variation 5013627 (VCV005013627.1).